The following is an entry in ClinVar:

ClinVar aggregate classification (germline): Uncertain significance (1 of 4 stars; one submission).

Allele frequency attached by ClinVar (database versions not stated): TOPMed below 0.00001.

Submission:

CeGaT Center for Human Genetics Tuebingen
Classification: Uncertain significance. Last evaluated: 2023-01-01. Review status: criteria provided, single submitter. Criteria: CeGaT Center For Human Genetics Tuebingen Variant Classification Criteria Version 2. Collection method: clinical testing. Allele origin: germline. Affected: yes. Observed: 1 variant allele.
Comment: KLC2: PM2

NM_001318734.2(KLC2):c.229-1G>A

Genes: KLC2 (kinesin light chain 2; plus strand), KLC2-AS1 (KLC2 antisense RNA 1; minus strand). Cytogenetic location: 11q13.2.
Variant type: single nucleotide variant.
Coding change: c.229-1G>A on transcript NM_001318734.2 (MANE Select); the canonical splice acceptor site of the intron before coding-DNA position 229, G replaced by A.
Molecular consequence: splice acceptor variant. On other transcripts: non-coding transcript variant (1), intron variant (1).
Genome position (GRCh38, 1-based): chr11:66,261,741, G>A. VCF-style: chr11-66261741-G-A. GRCh37 (hg19) VCF-style: chr11-66029212-G-A.
Other names: c.229-1G>A (NM_001134775.2, NM_022822.3, NM_001134776.2); c.229-382G>A (NM_001134774.2).
Identifiers: ClinVar variation 2641983 (VCV002641983.24), dbSNP rs1025917707, ClinGen allele CA224051374.